The following is an entry in ClinVar:

ClinVar aggregate classification (germline): Uncertain significance (1 of 4 stars; one submission).

gnomAD v4.1: 4 of 1,613,942 alleles (0.00025%); highest among the groups gnomAD compares: African/African-American, 0.0013%; no homozygotes.

Submission:

CeGaT Center for Human Genetics Tuebingen
Classification: Uncertain significance. Last evaluated: 2026-09-01. Review status: criteria provided, single submitter. Criteria: CeGaT Center For Human Genetics Tuebingen Variant Classification Criteria Version 2. Collection method: clinical testing. Allele origin: germline. Affected: yes. Observed: 1 variant allele.
Comment: GOSR2: PM2, BP4

NM_004287.5(GOSR2):c.424T>G (p.Leu142Val)

Genes: GOSR2 (golgi SNAP receptor complex member 2; plus strand), LRRC37A2 (leucine rich repeat containing 37 member A2). Cytogenetic location: 17q21.32.
Variant type: single nucleotide variant.
Coding change: c.424T>G on transcript NM_004287.5 (MANE Select); coding-DNA position 424, T replaced by G.
Protein change: p.Leu142Val; replaces leucine 142 with valine.
Molecular consequence: missense variant. On other transcripts: non-coding transcript variant (1), intron variant (4).
Genome position (GRCh38, 1-based): chr17:46,935,116, T>G. VCF-style: chr17-46935116-T-G. GRCh37 (hg19) VCF-style: chr17-45012482-T-G.
Other names: c.424T>G, p.Leu142Val (NM_001012511.3, NM_001321133.2, NM_054022.4); c.421T>G, p.Leu141Val (NM_001353114.2); c.370T>G, p.Leu124Val (NM_001363851.2); c.282+2917T>G (NM_001321134.2); c.336+2917T>G (NM_001330252.2); c.333+2917T>G (NM_001353115.2, NM_001353116.2); short protein forms L124V, L141V, L142V.
Identifiers: ClinVar variation 5041244 (VCV005041244.1).